The following is an entry in ClinVar:

NM_001142966.3(GREB1L):c.770C>T (p.Ser257Leu)

Genes: GREB1L (GREB1 like retinoic acid receptor coactivator; plus strand), LOC101927521 (uncharacterized LOC101927521; minus strand). Cytogenetic location: 18q11.1.
Variant type: single nucleotide variant.
Coding change: c.770C>T on transcript NM_001142966.3 (MANE Select); coding-DNA position 770, C replaced by T.
Protein change: p.Ser257Leu; replaces serine 257 with leucine.
Molecular consequence: missense variant.
Genome position (GRCh38, 1-based): chr18:21,403,932, C>T. VCF-style: chr18-21403932-C-T. GRCh37 (hg19) VCF-style: chr18-18983893-C-T.
Other names: c.770C>T, p.Ser257Leu (NM_001410867.1, NM_001410868.1); short protein forms S257L.
Identifiers: ClinVar variation 3374902 (VCV003374902.1).

ClinVar aggregate classification (germline): Uncertain significance (1 of 4 stars; one submission).

gnomAD v4.1: 8 of 1,550,442 alleles (0.00052%); highest among the groups gnomAD compares: Middle Eastern, 0.017%; no homozygotes.

Submission:

Women's Health and Genetics/Laboratory Corporation of America, LabCorp
Classification: Uncertain significance. Last evaluated: 2024-09-11. Review status: criteria provided, single submitter. Criteria: LabCorp Variant Classification Summary - May 2015. Collection method: clinical testing. Allele origin: germline.
Comment: Variant summary: GREB1L c.770C>T (p.Ser257Leu) results in a non-conservative amino acid change in the encoded protein sequence. Three of five in-silico tools predict a benign effect of the variant on protein function. The variant allele was found at a frequency of 1.9e-05 in 158462 control chromosomes. The available data on variant occurrences in the general population are insufficient to allow any conclusion about variant significance. To our knowledge, no occurrence of c.770C>T in individuals affected with Renal Hypodysplasia/aplasia 3 and no experimental evidence demonstrating its impact on protein function have been reported. No submitters have cited clinical-significance assessments for this variant to ClinVar. Based on the evidence outlined above, the variant was classified as uncertain significance.